The following is an entry in ClinVar:

ClinVar aggregate classification (germline): Pathogenic (1 of 4 stars; one submission).

Allele frequency attached by ClinVar (database versions not stated): gnomAD exomes 0.00001; ExAC 0.00002.

Submission:

GeneDx
Classification: Pathogenic. Last evaluated: 2022-09-14. Review status: criteria provided, single submitter. Criteria: GeneDx Variant Classification Process June 2021. Collection method: clinical testing. Allele origin: germline. Affected: yes.
Comment: Reported in an individual with global developmental delay, hypotonia, epilepsy, and dysmorphic features who harbored a second PUS3 variant, however, segregation information was not provided (Nstvik et al., 2021); Initiation codon variant in a gene for which loss-of-function is a known mechanism of disease; Not observed at significant frequency in large population cohorts (gnomAD); This variant is associated with the following publications: (PMID: 34415064)

NM_001134793.2(HYLS1):c.-25-3062C>G

Genes: HYLS1 (HYLS1 centriolar and ciliogenesis associated; plus strand), PUS3 (pseudouridine synthase 3; minus strand). Cytogenetic location: 11q24.2.
Variant type: single nucleotide variant.
Coding change: c.-25-3062C>G on transcript NM_001134793.2 (MANE Select); 3062 bases into the intron before 25 bases upstream of the start codon, C replaced by G.
Molecular consequence: intron variant. On other transcripts: missense variant (1), initiator codon variant (1).
Genome position (GRCh38, 1-based): chr11:125,896,282, C>G. VCF-style: chr11-125896282-C-G. GRCh37 (hg19) VCF-style: chr11-125766177-C-G.
Other names: c.3G>C, p.Met1Ile (NM_031307.4); c.-80-2822C>G (NM_145014.3); c.-22-3065C>G (NM_001424364.1, NM_001377270.1); c.-25-3062C>G (NM_001377269.1); c.-246-493G>C (NM_001271985.2); short protein forms M1I.
Identifiers: ClinVar variation 2444715 (VCV002444715.2), dbSNP rs776702167, ClinGen allele CA6350617.